The following is an entry in ClinVar:

ClinVar aggregate classification (germline): Uncertain significance (1 of 4 stars; one submission).

Conditions:
Peutz-Jeghers syndrome (PJS). Also called: POLYPOSIS, HAMARTOMATOUS INTESTINAL; POLYPS-AND-SPOTS SYNDROME; Peutz-Jeghers polyposis; Periorificial lentiginosis syndrome. Identifiers: Orphanet 2869, MedGen C0031269, MeSH D010580, MONDO:0008280, OMIM 175200.

Submission:

Labcorp Genetics (formerly Invitae), Labcorp
Classification: Uncertain significance for Peutz-Jeghers syndrome. Last evaluated: 2025-12-20. Review status: criteria provided, single submitter. Criteria: Invitae Variant Classification Sherloc (09022015). Collection method: clinical testing. Allele origin: germline.
Comment: This sequence change replaces arginine, which is basic and polar, with proline, which is neutral and non-polar, at codon 301 of the STK11 protein (p.Arg301Pro). This variant is not present in population databases (gnomAD no frequency). This variant has not been reported in the literature in individuals affected with STK11-related conditions. ClinVar contains an entry for this variant (Variation ID: 2888294). Invitae Evidence Modeling of protein sequence and biophysical properties (such as structural, functional, and spatial information, amino acid conservation, physicochemical variation, residue mobility, and thermodynamic stability) indicates that this missense variant is not expected to disrupt STK11 protein function with a negative predictive value of 95%. In summary, the available evidence is currently insufficient to determine the role of this variant in disease. Therefore, it has been classified as a Variant of Uncertain Significance.

NM_000455.5(STK11):c.902G>C (p.Arg301Pro)

Gene: STK11 (serine/threonine kinase 11; plus strand). Cytogenetic location: 19p13.3.
Variant type: single nucleotide variant.
Coding change: c.902G>C on transcript NM_000455.5 (MANE Select); coding-DNA position 902, G replaced by C.
Protein change: p.Arg301Pro; replaces arginine 301 with proline.
Molecular consequence: missense variant. On other transcripts: non-coding transcript variant (1).
Genome position (GRCh38, 1-based): chr19:1,221,988, G>C. VCF-style: chr19-1221988-G-C. GRCh37 (hg19) VCF-style: chr19-1221987-G-C.
Other names: c.902G>C, p.Arg301Pro (NM_001407255.1); short protein forms R301P.
Identifiers: ClinVar variation 2888294 (VCV002888294.3), dbSNP rs370222210, ClinGen allele CA402951280.